The following is an entry in ClinVar:

ClinVar aggregate classification (germline): Uncertain significance (1 of 4 stars; one submission).

Conditions:
Hereditary nonpolyposis colorectal neoplasms. Identifiers: MedGen C0009405, MeSH D003123.

Submission:

Labcorp Genetics (formerly Invitae), Labcorp
Classification: Uncertain significance for Hereditary nonpolyposis colorectal neoplasms. Last evaluated: 2020-12-21. Review status: criteria provided, single submitter. Criteria: Invitae Variant Classification Sherloc (09022015). Collection method: clinical testing. Allele origin: germline.
Comment: Algorithms developed to predict the effect of missense changes on protein structure and function are either unavailable or do not agree on the potential impact of this missense change (SIFT: "Deleterious"; PolyPhen-2: "Probably Damaging"; Align-GVGD: "Class C0"). This variant has not been reported in the literature in individuals with MSH6-related conditions. This variant is not present in population databases (ExAC no frequency). This sequence change replaces glutamic acid with valine at codon 1012 of the MSH6 protein (p.Glu1012Val). The glutamic acid residue is moderately conserved and there is a moderate physicochemical difference between glutamic acid and valine. In summary, the available evidence is currently insufficient to determine the role of this variant in disease. Therefore, it has been classified as a Variant of Uncertain Significance.

NM_000179.3(MSH6):c.3035A>T (p.Glu1012Val)

Gene: MSH6 (mutS homolog 6; plus strand). Cytogenetic location: 2p16.3.
Variant type: single nucleotide variant.
Coding change: c.3035A>T on transcript NM_000179.3 (MANE Select); coding-DNA position 3035, A replaced by T.
Protein change: p.Glu1012Val; replaces glutamic acid 1012 with valine.
Molecular consequence: missense variant.
Genome position (GRCh38, 1-based): chr2:47,801,018, A>T. VCF-style: chr2-47801018-A-T. GRCh37 (hg19) VCF-style: chr2-48028157-A-T.
Other names: c.2645A>T, p.Glu882Val (NM_001281492.2); c.2129A>T, p.Glu710Val (NM_001281493.2, NM_001281494.2); short protein forms E710V, E882V, E1012V.
Identifiers: ClinVar variation 1420073 (VCV001420073.8), dbSNP rs2104437159, ClinGen allele CA346756471.